The following is an entry in ClinVar:

ClinVar aggregate classification (germline): Likely pathogenic (0 of 4 stars; one submission).

Conditions:
Hereditary spastic paraplegia 4. Also called: Spastic paraplegia 4, autosomal dominant; Spastic Paraplegia 4; Familial spastic paraplegia autosomal dominant 2. Identifiers: Orphanet 100985, MedGen C1866855, MONDO:0008438, OMIM 182601.

Submission:

Kids Neuroscience Centre, Sydney Children's Hospitals Network
Classification: Likely pathogenic for Hereditary spastic paraplegia 4. Review status: no assertion criteria provided. Collection method: clinical testing. Allele origin: unknown. Inheritance: Autosomal dominant inheritance. Affected: yes. Observed: 1 heterozygote.
Comment: Detected one abnormal splicing event, out-of-frame exon 16 duplication (r.1688_1728dup). This event causes a frameshift encoding 1 missense amino acid and a premature termination codon (p.(Met577Asnfs*2)). These transcripts are not predicted to be targeted by NMD as the premature termination codon is encoded 35 bp upstream from the last exon-exon junction. SPAST transcripts with exon 16 duplication encode spastin protein lacking 40 evolutionarily conserved amino acids from the spastin domain. Missense substitutions p.(Met577Arg), p.(Ser588Pro) and p.(Ile592Lys) within thi s region of the spastin domain are described as likely pathogenic variants in ClinVar. Therefore, it is the opinion of this laboratory that loss of 40 amino acids p.(Met577_Val616del) from the conserved spastin domain is consistent with likely non/dysfunc tion of the encoded spastin protein.

GRCh37/hg19 2p22.3(chr2:32372287-32372327)x2

Gene: SPAST (spastin; plus strand). Cytogenetic location: 2p22.3.
Variant type: copy number gain.
Change: copy number 2 of chr2:32,372,287-32,372,327 (0.0 kb, GRCh37 coordinates, 1-based), cytogenetic band 2p22.3.
Identifiers: ClinVar variation 1064616 (VCV001064616.2).